The following is an entry in ClinVar:

NM_000426.4(LAMA2):c.397-15G>A

Gene: LAMA2 (laminin subunit alpha 2; plus strand). Cytogenetic location: 6q22.33.
Variant type: single nucleotide variant.
Coding change: c.397-15G>A on transcript NM_000426.4 (MANE Select); 15 bases into the intron before coding-DNA position 397, G replaced by A.
Molecular consequence: intron variant.
Genome position (GRCh38, 1-based): chr6:129,098,158, G>A. VCF-style: chr6-129098158-G-A. GRCh37 (hg19) VCF-style: chr6-129419303-G-A.
Other names: c.397-15G>A (NM_001079823.2).
Identifiers: ClinVar variation 506847 (VCV000506847.11), dbSNP rs188045427, ClinGen allele CA3992328.

ClinVar aggregate classification (germline): Benign/Likely benign. Review status: criteria provided, multiple submitters, no conflicts (2 of 4 stars). 4 submissions from 4 submitters: Benign (1); Likely benign (3). Last evaluated 2026-01-26.

Conditions:
LAMA2-related muscular dystrophy (LAMA2-RD). Also called: Laminin alpha 2-related dystrophy. Identifiers: MedGen C5679788, MONDO:0100228.

Allele frequency attached by ClinVar (database versions not stated): gnomAD exomes 0.00011 and 0.00030; ExAC 0.00037; gnomAD 0.00094 and 0.00098; TOPMed 0.00126; ESP Exome Variant Server 0.00131; 1000 Genomes Project 0.00160; 1000 Genomes Project 30x 0.00172.
gnomAD v4.1: 318 of 1,613,682 alleles (0.02%); highest among the groups gnomAD compares: African/African-American, 0.38%; no homozygotes.

Submissions (4):

Labcorp Genetics (formerly Invitae), Labcorp
Classification: Benign for LAMA2-related muscular dystrophy. Last evaluated: 2026-01-26. Review status: criteria provided, single submitter. Criteria: Invitae Variant Classification Sherloc (09022015). Collection method: clinical testing. Allele origin: germline.

Women's Health and Genetics/Laboratory Corporation of America, LabCorp
Classification: Likely benign. Last evaluated: 2025-05-08. Review status: criteria provided, single submitter. Criteria: LabCorp Variant Classification Summary - May 2015. Collection method: clinical testing. Allele origin: germline.

Blueprint Genetics
Classification: Likely benign. Last evaluated: 2024-11-12. Review status: criteria provided, single submitter. Criteria: ACMG Guidelines, 2015. Collection method: clinical testing. Allele origin: germline.

GeneDx
Classification: Likely benign. Last evaluated: 2017-01-19. Review status: criteria provided, single submitter. Criteria: GeneDx Variant Classification (06012015). Collection method: clinical testing. Allele origin: germline. Affected: yes.
Comment: This variant is considered likely benign or benign based on one or more of the following criteria: it is a conservative change, it occurs at a poorly conserved position in the protein, it is predicted to be benign by multiple in silico algorithms, and/or has population frequency not consistent with disease.